The following is an entry in ClinVar:

NM_032242.4(PLXNA1):c.3183-7G>T

Gene: PLXNA1 (plexin A1; plus strand). Cytogenetic location: 3q21.3.
Variant type: single nucleotide variant.
Coding change: c.3183-7G>T on transcript NM_032242.4 (MANE Select); 7 bases into the intron before coding-DNA position 3183, G replaced by T.
Molecular consequence: intron variant.
Genome position (GRCh38, 1-based): chr3:127,016,937, G>T. VCF-style: chr3-127016937-G-T. GRCh37 (hg19) VCF-style: chr3-126735780-G-T.
Identifiers: ClinVar variation 4989008 (VCV004989008.1).

ClinVar aggregate classification (germline): Likely benign (1 of 4 stars; one submission).

Conditions:
PLXNA1-related disorder. Also called: PLXNA1-related condition.

gnomAD v4.1: 7 of 1,610,084 alleles (0.00043%); highest among the groups gnomAD compares: Admixed American, 0.01%; no homozygotes.

Submission:

PreventionGenetics, part of Exact Sciences
Classification: Likely benign for PLXNA1-related condition. Last evaluated: 2025-10-31. Review status: criteria provided, single submitter. Criteria: ACMG Guidelines, 2015. Collection method: clinical testing. Allele origin: germline.
Comment: This variant is classified as likely benign based on ACMG/AMP sequence variant interpretation guidelines (Richards et al. 2015 PMID: 25741868, with internal and published modifications).